The following is an entry in ClinVar:

NM_000077.5(CDKN2A):c.151-22_151-5del

Gene: CDKN2A (cyclin dependent kinase inhibitor 2A; minus strand). Cytogenetic location: 9p21.3.
Variant type: Deletion.
Coding change: c.151-22_151-5del on transcript NM_000077.5 (MANE Select); 22 bases into the intron before coding-DNA position 151 through 5 bases into the intron before coding-DNA position 151, 18 bases deleted (ACCATTCTGTTCTCTCTG).
Molecular consequence: intron variant.
Genome position (GRCh38, 1-based): chr9:21,971,213-21,971,230, CAGAGAGAACAGAATGGT deleted on the plus strand (ACCATTCTGTTCTCTCTG on the coding strand, the reverse complement: CDKN2A is on the minus strand); deleting any 18 consecutive bases within chr9:21,971,213-21,971,235 gives the same sequence; the c. name uses the placement nearest the transcript's 3' end. VCF-style (leftmost placement, unchanged base first): chr9-21971212-CCAGAGAGAACAGAATGGT-C. GRCh37 (hg19) VCF-style: chr9-21971211-CCAGAGAGAACAGAATGGT-C.
Other names: c.-3-22_-3-5del (NM_001363763.2); c.194-22_194-5del (NM_058195.4); c.151-22_151-5del (NM_001195132.2); c.*74-22_*74-5del (NM_058197.5).
Identifiers: ClinVar variation 1774228 (VCV001774228.3), dbSNP rs2489277412, ClinGen allele CA2580080337.

ClinVar aggregate classification (germline): Uncertain significance (1 of 4 stars; one submission).

Conditions:
Hereditary cancer-predisposing syndrome. Also called: Hereditary neoplastic syndrome; Neoplastic Syndromes, Hereditary; Tumor predisposition; Hereditary Cancer Syndrome. Identifiers: Orphanet 140162, MedGen C0027672, MeSH D009386, MONDO:0015356.

Submission:

Ambry Genetics
Classification: Uncertain significance for Hereditary cancer-predisposing syndrome. Last evaluated: 2026-02-12. Review status: criteria provided, single submitter. Criteria: Ambry Variant Classification Scheme 2023. Collection method: clinical testing. Allele origin: germline.
Comment: The c.151-22_151-5del18 intronic variant, located in intron 1 of the CDKN2A gene, results from a deletion of 18 nucleotides within intron 1 of the CDKN2A gene. This alteration has been observed in at least one individual with a personal and/or family history that is consistent with CDKN2A-related disease (Ambry internal data). These nucleotide positions are well conserved through primates. In silico splice site analysis predicts that this alteration will not have any significant effect on splicing; however, direct evidence is insufficient at this time (Ambry internal data). Based on the available evidence, the clinical significance of this variant remains unclear.